The following is an entry in ClinVar:

NM_001482.3(GATM):c.877A>T (p.Ile293Phe)

Gene: GATM (glycine amidinotransferase; minus strand). Cytogenetic location: 15q21.1.
Variant type: single nucleotide variant.
Coding change: c.877A>T on transcript NM_001482.3 (MANE Select); coding-DNA position 877, A replaced by T.
Protein change: p.Ile293Phe; replaces isoleucine 293 with phenylalanine.
Molecular consequence: missense variant.
Genome position (GRCh38, 1-based): chr15:45,366,147, T>A on the plus strand (A>T on the coding strand, the complement: GATM is on the minus strand). VCF-style: chr15-45366147-T-A. GRCh37 (hg19) VCF-style: chr15-45658345-T-A.
Other names: c.490A>T, p.Ile164Phe (NM_001321015.2); short protein forms I164F, I293F.
Identifiers: ClinVar variation 1355073 (VCV001355073.8), dbSNP rs2140641528, ClinGen allele CA392257969.

ClinVar aggregate classification (germline): Uncertain significance (1 of 4 stars; one submission).

Conditions:
Arginine:glycine amidinotransferase deficiency (CCDS3). Also called: AGAT deficiency; L-Arginine:Glycine Amidinotransferase Deficiency; L-Arginine:Glycine Amidinotransferase (AGAT) Deficiency; Cerebral creatine deficiency syndrome 3; Creatine deficiency syndrome due to AGAT deficiency; GATM deficiency. Identifiers: Orphanet 35704, MedGen C2675179, MONDO:0012996, OMIM 612718.

Submission:

Labcorp Genetics (formerly Invitae), Labcorp
Classification: Uncertain significance for Arginine:glycine amidinotransferase deficiency. Last evaluated: 2020-12-30. Review status: criteria provided, single submitter. Criteria: Invitae Variant Classification Sherloc (09022015). Collection method: clinical testing. Allele origin: germline.
Comment: This variant is not present in population databases (ExAC no frequency). In summary, the available evidence is currently insufficient to determine the role of this variant in disease. Therefore, it has been classified as a Variant of Uncertain Significance. Algorithms developed to predict the effect of missense changes on protein structure and function are either unavailable or do not agree on the potential impact of this missense change (SIFT: "Deleterious"; PolyPhen-2: "Benign"; Align-GVGD: "Class C0"). This variant has not been reported in the literature in individuals with GATM-related conditions. This sequence change replaces isoleucine with phenylalanine at codon 293 of the GATM protein (p.Ile293Phe). The isoleucine residue is highly conserved and there is a small physicochemical difference between isoleucine and phenylalanine.